The following is an entry in ClinVar:

NM_012179.4(FBXO7):c.1453G>C (p.Val485Leu)

Gene: FBXO7 (F-box protein 7; plus strand). Cytogenetic location: 22q12.3.
Variant type: single nucleotide variant.
Coding change: c.1453G>C on transcript NM_012179.4 (MANE Select); coding-DNA position 1453, G replaced by C.
Protein change: p.Val485Leu; replaces valine 485 with leucine.
Molecular consequence: missense variant.
Genome position (GRCh38, 1-based): chr22:32,498,414, G>C. VCF-style: chr22-32498414-G-C. GRCh37 (hg19) VCF-style: chr22-32894401-G-C.
Other names: c.1216G>C, p.Val406Leu (NM_001033024.2); c.1111G>C, p.Val371Leu (NM_001257990.2); short protein forms V406L, V485L, V371L.
Identifiers: ClinVar variation 1423862 (VCV001423862.3), dbSNP rs141286570, ClinGen allele CA411336145.

ClinVar aggregate classification (germline): Uncertain significance (1 of 4 stars; one submission).

Conditions:
Parkinsonian-pyramidal syndrome. Also called: PARKINSON DISEASE 15, AUTOSOMAL RECESSIVE; PARKINSON DISEASE 15, AUTOSOMAL RECESSIVE EARLY-ONSET; PALLIDOPYRAMIDAL SYNDROME. Identifiers: Orphanet 171695, MedGen C1850100, MONDO:0009830, OMIM 260300.

gnomAD v4.1: 1 of 1,614,182 alleles (0.000062%); no homozygotes.

Submission:

Labcorp Genetics (formerly Invitae), Labcorp
Classification: Uncertain significance for Parkinsonian-pyramidal syndrome. Last evaluated: 2021-09-20. Review status: criteria provided, single submitter. Criteria: Invitae Variant Classification Sherloc (09022015). Collection method: clinical testing. Allele origin: germline.
Comment: This sequence change replaces valine with leucine at codon 485 of the FBXO7 protein (p.Val485Leu). The valine residue is moderately conserved and there is a small physicochemical difference between valine and leucine. This variant is not present in population databases (ExAC no frequency). This variant has not been reported in the literature in individuals affected with FBXO7-related conditions. Algorithms developed to predict the effect of missense changes on protein structure and function (SIFT, PolyPhen-2, Align-GVGD) all suggest that this variant is likely to be tolerated. In summary, the available evidence is currently insufficient to determine the role of this variant in disease. Therefore, it has been classified as a Variant of Uncertain Significance.